The following is an entry in ClinVar:

NM_201548.5(CERKL):c.1012C>T (p.Arg338Ter)

Gene: CERKL (CERK like autophagy regulator; minus strand). Cytogenetic location: 2q31.3.
Variant type: single nucleotide variant.
Coding change: c.1012C>T on transcript NM_201548.5 (MANE Select); coding-DNA position 1012, C replaced by T.
Protein change: p.Arg338Ter; replaces arginine 338 with a stop codon.
Molecular consequence: nonsense. On other transcripts: non-coding transcript variant (2).
Genome position (GRCh38, 1-based): chr2:181,548,741, G>A on the plus strand (C>T on the coding strand, the complement: CERKL is on the minus strand). VCF-style: chr2-181548741-G-A. GRCh37 (hg19) VCF-style: chr2-182413468-G-A.
Other names: c.1090C>T, p.Arg364Ter (NM_001030311.3); c.673C>T, p.Arg225Ter (NM_001030312.3); c.805C>T, p.Arg269Ter (NM_001030313.3); c.958C>T, p.Arg320Ter (NM_001160277.2); short protein forms R364*, R338*, R225*, R269*, R320*.
Identifiers: ClinVar variation 280382 (VCV000280382.17), dbSNP rs748394238, ClinGen allele CA2010592.
Genomic context (GRCh38, chr2:181,548,741, plus strand): 5'-TAAGTTTTGCCAGTGCCTTAACAACAGCAAAATCTCTCCGTTGGTTAGGGGACATCCATC[G>A]ATATTTTTCTGCCAGAGCCAAAGTTCTTCCACCAAAGCCAAACATGGCTGAGAACCCAAA-3'

ClinVar aggregate classification (germline): Pathogenic. Review status: criteria provided, multiple submitters, no conflicts (2 of 4 stars). 8 submissions from 8 submitters: Pathogenic (8). Last evaluated 2025-12-02.

Conditions:
CERKL-related disorders.
Retinal dystrophy. Also called: Inherited retinal dystrophy. Identifiers: Orphanet 71862, MedGen C0854723, MeSH D058499, MONDO:0019118, HP:0000556.
Retinitis pigmentosa 26 (RP26). Identifiers: Orphanet 791, MedGen C1842127, MONDO:0012024, OMIM 608380.

Allele frequency attached by ClinVar (database versions not stated): gnomAD exomes below 0.00001 and 0.00001; TOPMed below 0.00001; ExAC 0.00002; gnomAD 0.00002.
gnomAD v4.1: 9 of 1,613,920 alleles (0.00056%); highest among the groups gnomAD compares: African/African-American, 0.004%; no homozygotes.

Submissions (8):

Natera, Inc.
Classification: Pathogenic for Retinitis Pigmentosa 26. Last evaluated: 2025-12-02. Review status: criteria provided, single submitter. Criteria: Natera Variant Classification Schema (03/2026). Collection method: clinical testing. Allele origin: germline.
Comment: The c.1090C>T variant in CERKL is a nonsense variant predicted to introduce a stop codon at amino acid 364. This variant is expected to result in nonsense mediated decay, truncation, or a dysfunctional protein product. This variant is rare in the general population with a frequency below the threshold expected for the associated phenotype(s). This variant has been observed in one or more individuals affected with the associated recessive disease, as either homozygous or compound heterozygous with a second variant (PMID: 37331655). Given the available evidence, this variant is classified as Pathogenic.

Labcorp Genetics (formerly Invitae), Labcorp
Classification: Pathogenic. Last evaluated: 2025-01-15. Review status: criteria provided, single submitter. Criteria: Invitae Variant Classification Sherloc (09022015). Collection method: clinical testing. Allele origin: germline.
Comment: This sequence change creates a premature translational stop signal (p.Arg364*) in the CERKL gene. It is expected to result in an absent or disrupted protein product. Loss-of-function variants in CERKL are known to be pathogenic (PMID: 14681825, 23591405, 24043777). This variant is present in population databases (rs748394238, gnomAD 0.008%). This premature translational stop signal has been observed in individual(s) with CERKL-related conditions (PMID: 26103963). ClinVar contains an entry for this variant (Variation ID: 280382). For these reasons, this variant has been classified as Pathogenic.

Baylor Genetics
Classification: Pathogenic for Retinitis pigmentosa 26. Last evaluated: 2024-03-19. Review status: criteria provided, single submitter. Criteria: ACMG Guidelines, 2015. Collection method: clinical testing. Allele origin: unknown.

Institute of Medical Genetics and Applied Genomics, University Hospital Tübingen
Classification: Pathogenic for Retinitis pigmentosa 26. Last evaluated: 2023-06-02. Review status: criteria provided, single submitter. Criteria: ACMG Guidelines, 2015. Collection method: clinical testing. Allele origin: germline. Inheritance: Autosomal recessive inheritance. Affected: yes.

Institute of Human Genetics, Univ. Regensburg, Univ. Regensburg
Classification: Pathogenic for Retinal dystrophy. Last evaluated: 2023-01-01. Review status: criteria provided, single submitter. Criteria: ACMG Guidelines, 2015. Collection method: clinical testing. Allele origin: germline. Affected: yes.

Blueprint Genetics
Classification: Pathogenic for CERKL-related disorders. Last evaluated: 2022-02-21. Review status: criteria provided, single submitter. Criteria: ACMG Guidelines, 2015. Collection method: clinical testing. Allele origin: germline. Affected: yes. Observed: 1 variant allele.

Institute of Human Genetics, University of Leipzig Medical Center
Classification: Pathogenic for Retinitis pigmentosa 26. Last evaluated: 2021-08-24. Review status: criteria provided, single submitter. Criteria: ACMG Guidelines, 2015. Collection method: clinical testing. Allele origin: unknown. Affected: yes.
Comment: This variant was identified as compound heterozygous with NM_001030311.3:c.1152-1G>C.

GeneDx
Classification: Pathogenic. Last evaluated: 2018-04-09. Review status: criteria provided, single submitter. Criteria: GeneDx Variant Classification (06012015). Collection method: clinical testing. Allele origin: germline. Affected: yes.
Comment: This variant is predicted to cause loss of normal protein function either through protein truncation or nonsense-mediated mRNA decay. The R338X variant is observed in 5/276,698 total alleles in large population cohorts (Lek et al., 2016). We interpret R338X as a pathogenic variant.

Literature cited by the submitters: PubMed 37331655 (cited by Natera, Inc.); PubMed 14681825 (cited by Labcorp Genetics (formerly Invitae), Labcorp); PubMed 23591405 (cited by Labcorp Genetics (formerly Invitae), Labcorp); PubMed 24043777 (cited by Labcorp Genetics (formerly Invitae), Labcorp); PubMed 26103963 (cited by Labcorp Genetics (formerly Invitae), Labcorp and Institute of Human Genetics, Univ. Regensburg, Univ. Regensburg); PubMed 33322828 (cited by Institute of Human Genetics, Univ. Regensburg, Univ. Regensburg); PubMed 31964843 (cited by Institute of Human Genetics, Univ. Regensburg, Univ. Regensburg).